The following is an entry in ClinVar:

NM_025216.3(WNT10A):c.789G>C (p.Lys263Asn)

Gene: WNT10A (Wnt family member 10A; plus strand). Cytogenetic location: 2q35.
Variant type: single nucleotide variant.
Coding change: c.789G>C on transcript NM_025216.3 (MANE Select); coding-DNA position 789, G replaced by C.
Protein change: p.Lys263Asn; replaces lysine 263 with asparagine.
Molecular consequence: missense variant.
Genome position (GRCh38, 1-based): chr2:218,892,806, G>C. VCF-style: chr2-218892806-G-C. GRCh37 (hg19) VCF-style: chr2-219757528-G-C.
Other names: short protein forms K263N.
Identifiers: ClinVar variation 3333193 (VCV003333193.3).
Genomic context (GRCh38, chr2:218,892,806, plus strand): 5'-TCACCCCTCACGGTGCCTCCCTCCGCAGGCAGTGATGGAGAACATGCGGCGGAAGTGCAA[G>C]TGCCACGGCACGTCAGGCAGCTGCCAGCTCAAGACGTGCTGGCAGGTGACGCCCGAGTTC-3'
Protein context (NP_079492.2, residues 253-273): AVMENMRRKC[Lys263Asn]CHGTSGSCQL

ClinVar aggregate classification (germline): Uncertain significance. Review status: criteria provided, multiple submitters, no conflicts (2 of 4 stars). 3 submissions from 3 submitters: Uncertain significance (3). Last evaluated 2025-03-30.

Conditions:
Tooth agenesis, selective, 4 (STHAG4). Also called: LATERAL INCISORS, ABSENCE OF; LATERAL INCISORS, PEGGED OR MISSING; TOOTH AGENESIS, SELECTIVE, 4, WITH OR WITHOUT ECTODERMAL DYSPLASIA; SUCCEDANEOUS TEETH, AGENESIS OF. Identifiers: Orphanet 99798, MedGen C1835492, MONDO:0007881, OMIM 150400. Disease mechanism: loss of function.
Odonto-onycho-dermal dysplasia. Identifiers: Orphanet 2721, MedGen C0796093, MONDO:0009773, OMIM 257980.
Inborn genetic diseases. Identifiers: MedGen C0950123, MeSH D030342.

gnomAD v4.1: 36 of 1,597,098 alleles (0.0023%); highest among the groups gnomAD compares: Admixed American, 0.0034%; no homozygotes.

Submissions (3):

Labcorp Genetics (formerly Invitae), Labcorp
Classification: Uncertain significance for Tooth agenesis, selective, 4; Odonto-onycho-dermal dysplasia. Last evaluated: 2025-03-30. Review status: criteria provided, single submitter. Criteria: Invitae Variant Classification Sherloc (09022015). Collection method: clinical testing. Allele origin: germline.
Comment: This sequence change replaces lysine, which is basic and polar, with asparagine, which is neutral and polar, at codon 263 of the WNT10A protein (p.Lys263Asn). This variant is present in population databases (no rsID available, gnomAD 0.003%). This variant has not been reported in the literature in individuals affected with WNT10A-related conditions. ClinVar contains an entry for this variant (Variation ID: 3333193). Invitae Evidence Modeling of protein sequence and biophysical properties (such as structural, functional, and spatial information, amino acid conservation, physicochemical variation, residue mobility, and thermodynamic stability) indicates that this missense variant is expected to disrupt WNT10A protein function with a positive predictive value of 80%. In summary, the available evidence is currently insufficient to determine the role of this variant in disease. Therefore, it has been classified as a Variant of Uncertain Significance.

Blueprint Genetics
Classification: Uncertain significance. Last evaluated: 2024-08-02. Review status: criteria provided, single submitter. Criteria: ACMG Guidelines, 2015. Collection method: clinical testing. Allele origin: germline.

Ambry Genetics
Classification: Uncertain significance for Inborn genetic diseases. Last evaluated: 2024-06-19. Review status: criteria provided, single submitter. Criteria: Ambry Variant Classification Scheme 2023. Collection method: clinical testing. Allele origin: germline.